The following is an entry in ClinVar:

NM_152490.5(B3GALNT2):c.113-1405G>A

Gene: B3GALNT2 (beta-1,3-N-acetylgalactosaminyltransferase 2; minus strand). Cytogenetic location: 1q42.3.
Variant type: single nucleotide variant.
Coding change: c.113-1405G>A on transcript NM_152490.5 (MANE Select); 1405 bases into the intron before coding-DNA position 113, G replaced by A.
Molecular consequence: intron variant. On other transcripts: missense variant (1).
Genome position (GRCh38, 1-based): chr1:235,496,233, C>T on the plus strand (G>A on the coding strand, the complement: B3GALNT2 is on the minus strand). VCF-style: chr1-235496233-C-T. GRCh37 (hg19) VCF-style: chr1-235659543-C-T.
Other names: c.188G>A, p.Gly63Asp (NM_001277155.3); short protein forms G63D.
Identifiers: ClinVar variation 3041448 (VCV003041448.2), dbSNP rs564626955, ClinGen allele CA1465018.
Genomic context (GRCh38, chr1:235,496,233, plus strand): 5'-TGGTGGTGCTTGCCTGTTATCCCAGCTACTTGGGAGGCTGAGGCAGGAGAATCTCTTGAA[C>T]CCGGGAGGTGGAGGTTGGGGTGAGCCGAGACCGCGCCATTGCACTCCAGCCTGGGCAACA-3'

ClinVar aggregate classification (germline): Benign (0 of 4 stars; one submission).

Conditions:
B3GALNT2-related disorder. Also called: B3GALNT2-related condition.

Allele frequency attached by ClinVar (database versions not stated): 1000 Genomes Project 30x 0.00062; 1000 Genomes Project 0.00080; TOPMed 0.00107; gnomAD 0.00158; gnomAD exomes 0.00173; ExAC 0.02186.
gnomAD v4.1: 410 of 252,098 alleles (0.16%); highest among the groups gnomAD compares: Non-Finnish European, 0.23%; no homozygotes.

Submission:

PreventionGenetics, part of Exact Sciences
Classification: Benign for B3GALNT2-related condition. Last evaluated: 2019-05-20. Review status: no assertion criteria provided. Collection method: clinical testing. Allele origin: germline.
Comment: This variant is classified as benign based on ACMG/AMP sequence variant interpretation guidelines (Richards et al. 2015 PMID: 25741868, with internal and published modifications).